The following is an entry in ClinVar:

ClinVar aggregate classification (germline): Uncertain significance. Review status: criteria provided, multiple submitters, no conflicts (2 of 4 stars). 2 submissions from 2 submitters: Uncertain significance (2). Last evaluated 2025-05-01.

Conditions:
Familial cancer of breast. Also called: Hereditary breast cancer; BREAST CANCER, FAMILIAL; hereditary breast carcinoma. Identifiers: Orphanet 227535, MedGen C0346153, MONDO:0016419, OMIM 114480. Disease mechanism: loss of function.
Hereditary cancer-predisposing syndrome. Also called: Neoplastic Syndromes, Hereditary; Tumor predisposition; Hereditary Cancer Syndrome; Hereditary neoplastic syndrome. Identifiers: Orphanet 140162, MedGen C0027672, MeSH D009386, MONDO:0015356.

Submissions (2):

Labcorp Genetics (formerly Invitae), Labcorp
Classification: Uncertain significance for Familial cancer of breast. Last evaluated: 2025-05-01. Review status: criteria provided, single submitter. Criteria: Invitae Variant Classification Sherloc (09022015). Collection method: clinical testing. Allele origin: germline.
Comment: This sequence change replaces aspartic acid, which is acidic and polar, with glycine, which is neutral and non-polar, at codon 6 of the CHEK2 protein (p.Asp6Gly). This variant is not present in population databases (gnomAD no frequency). This variant has not been reported in the literature in individuals affected with CHEK2-related conditions. ClinVar contains an entry for this variant (Variation ID: 2775081). An algorithm developed to predict the effect of missense changes on protein structure and function outputs the following: PolyPhen-2: "Benign". The glycine amino acid residue is found in multiple mammalian species, which suggests that this missense change does not adversely affect protein function. In summary, the available evidence is currently insufficient to determine the role of this variant in disease. Therefore, it has been classified as a Variant of Uncertain Significance.

Color Diagnostics, LLC DBA Color Health
Classification: Uncertain significance for Hereditary cancer-predisposing syndrome. Last evaluated: 2024-03-07. Review status: criteria provided, single submitter. Criteria: ACMG Guidelines, 2015. Collection method: clinical testing. Allele origin: germline.
Comment: This missense variant replaces aspartic acid with glycine at codon 6 of the CHEK2 protein. Computational prediction suggests that this variant may not impact protein structure and function (internally defined REVEL score threshold <= 0.5, PMID: 27666373). To our knowledge, functional studies have not been reported for this variant. This variant has not been reported in individuals affected with hereditary cancer in the literature. This variant has not been identified in the general population by the Genome Aggregation Database (gnomAD). The available evidence is insufficient to determine the role of this variant in disease conclusively. Therefore, this variant is classified as a Variant of Uncertain Significance.

NM_007194.4(CHEK2):c.17A>G (p.Asp6Gly)

Gene: CHEK2 (checkpoint kinase 2; minus strand). Cytogenetic location: 22q12.1.
Variant type: single nucleotide variant.
Coding change: c.17A>G on transcript NM_007194.4 (MANE Select); coding-DNA position 17, A replaced by G.
Protein change: p.Asp6Gly; replaces aspartic acid 6 with glycine.
Molecular consequence: missense variant.
Genome position (GRCh38, 1-based): chr22:28,734,705, T>C on the plus strand (A>G on the coding strand, the complement: CHEK2 is on the minus strand). VCF-style: chr22-28734705-T-C. GRCh37 (hg19) VCF-style: chr22-29130693-T-C.
Other names: c.17A>G, p.Asp6Gly (NM_001005735.3, NM_001349956.3, NM_145862.3); c.-761A>G (NM_001257387.3); short protein forms D6G.
Identifiers: ClinVar variation 2775081 (VCV002775081.2), dbSNP rs2146156721, ClinGen allele CA411092083.